The following is an entry in ClinVar:

ClinVar aggregate classification (germline): Benign (0 of 4 stars; one submission).

Conditions:
TGFBR3-related disorder. Also called: TGFBR3-related condition.

Allele frequency attached by ClinVar (database versions not stated): ESP Exome Variant Server 0.11533; gnomAD 0.13032; ExAC 0.13081; TOPMed 0.13459; 1000 Genomes Project 30x 0.18285; 1000 Genomes Project 0.18590.
gnomAD v4.1: 166,078 of 1,612,018 alleles (10%); highest among the groups gnomAD compares: East Asian, 41%; 11,638 homozygotes.

Submission:

PreventionGenetics, part of Exact Sciences
Classification: Benign for TGFBR3-related condition. Last evaluated: 2019-10-21. Review status: no assertion criteria provided. Collection method: clinical testing. Allele origin: germline.
Comment: This variant is classified as benign based on ACMG/AMP sequence variant interpretation guidelines (Richards et al. 2015 PMID: 25741868, with internal and published modifications).

NM_003243.5(TGFBR3):c.44C>T (p.Ser15Phe)

Gene: TGFBR3 (transforming growth factor beta receptor 3; minus strand). Cytogenetic location: 1p22.1.
Variant type: single nucleotide variant.
Coding change: c.44C>T on transcript NM_003243.5 (MANE Select); coding-DNA position 44, C replaced by T.
Protein change: p.Ser15Phe; replaces serine 15 with phenylalanine.
Molecular consequence: missense variant. On other transcripts: non-coding transcript variant (1).
Genome position (GRCh38, 1-based): chr1:91,861,488, G>A on the plus strand (C>T on the coding strand, the complement: TGFBR3 is on the minus strand). VCF-style: chr1-91861488-G-A. GRCh37 (hg19) VCF-style: chr1-92327045-G-A.
Other names: c.44C>T, p.Ser15Phe (NM_001195683.2, NM_001195684.1); short protein forms S15F.
Identifiers: ClinVar variation 3060183 (VCV003060183.2), dbSNP rs1805110, ClinGen allele CA948193.